The following is an entry in ClinVar:

ClinVar aggregate classification (germline): Likely pathogenic. Review status: criteria provided, multiple submitters, no conflicts (2 of 4 stars). 4 submissions from 4 submitters: Likely pathogenic (4). Last evaluated 2026-05-29.

Conditions:
Progressive sclerosing poliodystrophy (MTDPS4A). Also called: ALPERS PROGRESSIVE INFANTILE POLIODYSTROPHY; Alpers Syndrome; NEURONAL DEGENERATION OF CHILDHOOD WITH LIVER DISEASE, PROGRESSIVE; ALPERS DIFFUSE DEGENERATION OF CEREBRAL GRAY MATTER WITH HEPATIC CIRRHOSIS; Alpers-Huttenlocher Syndrome; Mitochondrial DNA depletion syndrome 4A (Alpers type). Identifiers: Orphanet 726, MedGen C0205710, MONDO:0008758, OMIM 203700.
POLG-related disorder. Also called: POLG-Related Spectrum Disorders; POLG-related condition; POLG-Related Disorders. Identifiers: MedGen C4763519.
Progressive external ophthalmoplegia with mitochondrial DNA deletions, autosomal dominant 1 (PEOA1). Also called: Autosomal Dominant Progressive External Ophthalmoplegia (adPEO); PROGRESSIVE EXTERNAL OPHTHALMOPLEGIA, AUTOSOMAL DOMINANT 1. Identifiers: MedGen C1834846, MONDO:0024528, OMIM 157640.

Allele frequency attached by ClinVar (database versions not stated): gnomAD exomes below 0.00001 and 0.00001; ExAC 0.00001; TOPMed 0.00001.
gnomAD v4.1: 7 of 1,612,742 alleles (0.00043%); highest among the groups gnomAD compares: Non-Finnish European, 0.00059%; no homozygotes.

Submissions (4):

Myriad Genetics, Inc.
Classification: Likely pathogenic for POLG-related disorder. Last evaluated: 2026-05-29. Review status: criteria provided, single submitter. Criteria: Myriad Autosomal Dominant, Autosomal Recessive and X-Linked Classification Criteria (2023). Collection method: clinical testing. Allele origin: unknown.
Comment: NM_002693.2(POLG):c.2981+2T>G is a variant in a canonical splice site classified as likely pathogenic in the context of POLG-related disorders. c.2981+2T>G has not been observed in cases with relevant disease. Relevant functional assessments of this variant are not available in the literature. c.2981+2T>G has been observed in referenced population frequency databases. In summary, NM_002693.2(POLG):c.2981+2T>G is a variant in a canonical splice site in a gene where loss of function is a known mechanism of disease and is predicted to disrupt protein function. Please note: this variant was assessed in the context of healthy population screening.

Labcorp Genetics (formerly Invitae), Labcorp
Classification: Likely pathogenic for Progressive sclerosing poliodystrophy. Last evaluated: 2025-11-03. Review status: criteria provided, single submitter. Criteria: Invitae Variant Classification Sherloc (09022015). Collection method: clinical testing. Allele origin: germline.
Comment: This sequence change affects a donor splice site in intron 18 of the POLG gene. It is expected to disrupt RNA splicing. Variants that disrupt the donor or acceptor splice site typically lead to a loss of protein function (PMID: 16199547), and loss-of-function variants in POLG are known to be pathogenic (PMID: 18546365). This variant is present in population databases (rs775260762, gnomAD 0.007%). This variant has not been reported in the literature in individuals affected with POLG-related conditions. ClinVar contains an entry for this variant (Variation ID: 859116). Algorithms developed to predict the effect of sequence changes on RNA splicing suggest that this variant may disrupt the consensus splice site. In summary, the currently available evidence indicates that the variant is pathogenic, but additional data are needed to prove that conclusively. Therefore, this variant has been classified as Likely Pathogenic.

Greenwood Genetic Center Diagnostic Laboratories, Greenwood Genetic Center
Classification: Likely pathogenic for Progressive external ophthalmoplegia with mitochondrial DNA deletions, autosomal dominant 1. Last evaluated: 2023-12-07. Review status: criteria provided, single submitter. Criteria: ACMG Guidelines, 2015. Collection method: clinical testing. Allele origin: germline. Affected: yes.
Comment: PVS1, PM2

Baylor Genetics
Classification: Likely pathogenic for Progressive sclerosing poliodystrophy. Last evaluated: 2023-08-22. Review status: criteria provided, single submitter. Criteria: ACMG Guidelines, 2015. Collection method: clinical testing. Allele origin: unknown.

Literature cited by the submitters: PubMed 16199547 (cited by Labcorp Genetics (formerly Invitae), Labcorp); PubMed 18546365 (cited by Labcorp Genetics (formerly Invitae), Labcorp).

NM_002693.3(POLG):c.2981+2T>G

Gene: POLG (DNA polymerase gamma, catalytic subunit; minus strand). Cytogenetic location: 15q26.1.
Variant type: single nucleotide variant.
Coding change: c.2981+2T>G on transcript NM_002693.3 (MANE Select); the canonical splice donor site of the intron after coding-DNA position 2981, T replaced by G.
Molecular consequence: splice donor variant.
Genome position (GRCh38, 1-based): chr15:89,320,764, A>C on the plus strand (T>G on the coding strand, the complement: POLG is on the minus strand). VCF-style: chr15-89320764-A-C. GRCh37 (hg19) VCF-style: chr15-89863995-A-C.
Other names: c.2981+2T>G (NM_001126131.2).
Identifiers: ClinVar variation 859116 (VCV000859116.10), dbSNP rs775260762, ClinGen allele CA7724313.